The following is an entry in ClinVar:

NM_001204375.2(NPR3):c.1104C>T (p.Tyr368=)

Gene: NPR3 (natriuretic peptide receptor 3; plus strand). Cytogenetic location: 5p13.3.
Variant type: single nucleotide variant.
Coding change: c.1104C>T on transcript NM_001204375.2 (MANE Select); coding-DNA position 1104, C replaced by T.
Protein change: p.Tyr368=; no amino-acid change (tyrosine 368 retained).
Molecular consequence: synonymous variant.
Genome position (GRCh38, 1-based): chr5:32,774,752, C>T. VCF-style: chr5-32774752-C-T. GRCh37 (hg19) VCF-style: chr5-32774858-C-T.
Other names: c.1104C>T (NM_001204375.1); c.1104C>T, p.Tyr368= (NM_000908.4); c.456C>T, p.Tyr152= (NM_001204376.2, NM_001363652.2); c.384C>T, p.Tyr128= (NM_001364458.2); c.333C>T, p.Tyr111= (NM_001364460.2).
Identifiers: ClinVar variation 728824 (VCV000728824.11), dbSNP rs140897654, ClinGen allele CA3222548.
Genomic context (GRCh38, chr5:32,774,752, plus strand): 5'-GGGGTTTTCTTTTCAGGTTAACATGTTTGTTGAAGGATTCCACGATGCCATCCTCCTCTA[C>T]GTCTTGGCTCTACATGAAGTACTCAGAGCTGGTTACAGCAAAAAGGATGGAGGGAAAATT-3'
Protein context (NP_001191304.1, residues 358-378): VEGFHDAILL[Tyr368=]VLALHEVLRA

ClinVar aggregate classification (germline): Benign. Review status: criteria provided, multiple submitters, no conflicts (2 of 4 stars). 3 submissions from 3 submitters: Benign (2). 1 of the submissions does not count toward it. Last evaluated 2026-01-07.

Conditions:
NPR3-related disorder. Also called: NPR3-related condition.

Allele frequency attached by ClinVar (database versions not stated): ESP Exome Variant Server 0.00141; 1000 Genomes Project 0.00260; TOPMed 0.00156; 1000 Genomes Project 30x 0.00234.
gnomAD v4.1: 617 of 1,606,972 alleles (0.038%); highest among the groups gnomAD compares: African/African-American, 0.59%; 3 homozygotes.

Submissions (3):

Labcorp Genetics (formerly Invitae), Labcorp
Classification: Benign. Last evaluated: 2026-01-07. Review status: criteria provided, single submitter. Criteria: Invitae Variant Classification Sherloc (09022015). Collection method: clinical testing. Allele origin: germline.

Breakthrough Genomics
Classification: Benign. Review status: criteria provided, single submitter. Criteria: ACMG Guidelines, 2015. Collection method: not provided. Allele origin: germline. Inheritance: Autosomal recessive inheritance. Affected: yes.

PreventionGenetics, part of Exact Sciences
Classification: Likely benign for NPR3-related condition. Last evaluated: 2019-04-01. Review status: no assertion criteria provided. Collection method: clinical testing. Allele origin: germline. Not counted in ClinVar's aggregate classification.
Comment: This variant is classified as likely benign based on ACMG/AMP sequence variant interpretation guidelines (Richards et al. 2015 PMID: 25741868, with internal and published modifications).